The following is an entry in ClinVar:

NM_004329.3(BMPR1A):c.1404A>G (p.Glu468=)

Gene: BMPR1A (bone morphogenetic protein receptor type 1A; plus strand). Cytogenetic location: 10q23.2.
Variant type: single nucleotide variant.
Coding change: c.1404A>G on transcript NM_004329.3 (MANE Select); coding-DNA position 1404, A replaced by G.
Protein change: p.Glu468=; no amino-acid change (glutamic acid 468 retained).
Molecular consequence: synonymous variant. On other transcripts: non-coding transcript variant (3).
Genome position (GRCh38, 1-based): chr10:86,923,437, A>G. VCF-style: chr10-86923437-A-G. GRCh37 (hg19) VCF-style: chr10-88683194-A-G.
Other names: c.1479A>G, p.Glu493= (NM_001406559.1); c.1452A>G, p.Glu484= (NM_001406560.1); c.1404A>G, p.Glu468= (NM_001406561.1, NM_001406562.1, NM_001406563.1 and 19 more transcripts); c.1398A>G, p.Glu466= (NM_001406583.1); c.1320A>G, p.Glu440= (NM_001406584.1, NM_001406585.1, NM_001406586.1 and 2 more transcripts); c.1062A>G, p.Glu354= (NM_001406589.1).
Identifiers: ClinVar variation 3378431 (VCV003378431.1).
Genomic context (GRCh38, chr10:86,923,437, plus strand): 5'-GATCGTGGAAGAATACCAATTGCCATATTACAACATGGTACCGAGTGATCCGTCATACGA[A>G]GATATGCGTGAGGTTGTGTGTGTCAAACGTTTGCGGCCAATTGTGTCTAATCGGTGGAAC-3'
Protein context (NP_004320.2, residues 458-478): YNMVPSDPSY[Glu468=]DMREVVCVKR

ClinVar aggregate classification (germline): Benign (1 of 4 stars; one submission).

Conditions:
Juvenile polyposis syndrome (JPS). Identifiers: Orphanet 2929, MedGen C0345893, MONDO:0017380, OMIM 174900.

Submission:

Myriad Genetics, Inc.
Classification: Benign for Juvenile polyposis syndrome. Last evaluated: 2024-08-08. Review status: criteria provided, single submitter. Criteria: Myriad Autosomal Dominant, Autosomal Recessive and X-Linked Classification Criteria (2023). Collection method: clinical testing. Allele origin: unknown.
Comment: This variant is considered benign. This variant is a silent/synonymous amino acid change and it is not expected to impact splicing.